The following is an entry in ClinVar:

ClinVar aggregate classification (germline): Uncertain significance (1 of 4 stars; one submission).

Conditions:
Autosomal dominant limb-girdle muscular dystrophy type 1F (LGMDD2). Also called: Limb-girdle muscular dystrophy, type 1F; MUSCULAR DYSTROPHY, LIMB-GIRDLE, AUTOSOMAL DOMINANT 2. Identifiers: Orphanet 55595, MedGen C1842062, MONDO:0012034, OMIM 608423.

Submission:

Labcorp Genetics (formerly Invitae), Labcorp
Classification: Uncertain significance for Autosomal dominant limb-girdle muscular dystrophy type 1F. Last evaluated: 2022-10-01. Review status: criteria provided, single submitter. Criteria: Invitae Variant Classification Sherloc (09022015). Collection method: clinical testing. Allele origin: germline.
Comment: This variant is not present in population databases (gnomAD no frequency). In summary, the available evidence is currently insufficient to determine the role of this variant in disease. Therefore, it has been classified as a Variant of Uncertain Significance. Advanced modeling of protein sequence and biophysical properties (such as structural, functional, and spatial information, amino acid conservation, physicochemical variation, residue mobility, and thermodynamic stability) has been performed at Invitae for this missense variant, however the output from this modeling did not meet the statistical confidence thresholds required to predict the impact of this variant on TNPO3 protein function. This variant has not been reported in the literature in individuals affected with TNPO3-related conditions. This sequence change replaces glutamic acid, which is acidic and polar, with aspartic acid, which is acidic and polar, at codon 438 of the TNPO3 protein (p.Glu438Asp).

NM_012470.4(TNPO3):c.1314A>C (p.Glu438Asp)

Gene: TNPO3 (transportin 3; minus strand). Cytogenetic location: 7q32.1.
Variant type: single nucleotide variant.
Coding change: c.1314A>C on transcript NM_012470.4 (MANE Select); coding-DNA position 1314, A replaced by C.
Protein change: p.Glu438Asp; replaces glutamic acid 438 with aspartic acid.
Molecular consequence: missense variant. On other transcripts: non-coding transcript variant (16).
Genome position (GRCh38, 1-based): chr7:128,992,043, T>G on the plus strand (A>C on the coding strand, the complement: TNPO3 is on the minus strand). VCF-style: chr7-128992043-T-G. GRCh37 (hg19) VCF-style: chr7-128632097-T-G.
Other names: c.1314A>C, p.Glu438Asp (NM_001191028.3, NM_001382216.1, NM_001382218.1 and 2 more transcripts); c.1395A>C, p.Glu465Asp (NM_001382217.1); c.1206A>C, p.Glu402Asp (NM_001382219.1); c.1170A>C, p.Glu390Asp (NM_001382221.1); c.1167A>C, p.Glu389Asp (NM_001382222.1); short protein forms E389D, E390D, E402D, E438D, E465D.
Identifiers: ClinVar variation 1720778 (VCV001720778.6), dbSNP rs1800800975, ClinGen allele CA369231517.